The following is an entry in ClinVar:

NM_000337.6(SGCD):c.823C>T (p.Gln275Ter)

Gene: SGCD (sarcoglycan delta; plus strand). Cytogenetic location: 5q33.3.
Variant type: single nucleotide variant.
Coding change: c.823C>T on transcript NM_000337.6 (MANE Select); coding-DNA position 823, C replaced by T.
Protein change: p.Gln275Ter; replaces glutamine 275 with a stop codon.
Molecular consequence: nonsense.
Genome position (GRCh38, 1-based): chr5:156,759,340, C>T. VCF-style: chr5-156759340-C-T. GRCh37 (hg19) VCF-style: chr5-156186351-C-T.
Other names: c.820C>T, p.Gln274Ter (NM_001128209.2); short protein forms Q274*, Q275*.
Identifiers: ClinVar variation 1810116 (VCV001810116.4), dbSNP rs2480211214, ClinGen allele CA362009596.

ClinVar aggregate classification (germline): Uncertain significance. Review status: criteria provided, multiple submitters, no conflicts (2 of 4 stars). 2 submissions from 2 submitters: Uncertain significance (2). Last evaluated 2022-06-30.

Submissions (2):

GeneDx
Classification: Uncertain significance. Last evaluated: 2022-06-30. Review status: criteria provided, single submitter. Criteria: GeneDx Variant Classification Process June 2021. Collection method: clinical testing. Allele origin: germline. Affected: yes.
Comment: Not observed at significant frequency in large population cohorts (gnomAD); Nonsense variant predicted to result in protein truncation as the last 16 amino acids are lost, although loss-of-function variants have not been reported downstream of this position in the protein; Has not been previously published as pathogenic or benign to our knowledge

Revvity Omics, Revvity
Classification: Uncertain significance. Last evaluated: 2022-05-12. Review status: criteria provided, single submitter. Criteria: ACMG Guidelines, 2015. Collection method: clinical testing. Allele origin: germline.